The following is an entry in ClinVar:

ClinVar aggregate classification (germline): Likely benign (1 of 4 stars; one submission).

gnomAD v4.1: 1 of 1,563,864 alleles (0.000064%); highest among the groups gnomAD compares: East Asian, 0.0022%; no homozygotes.

Submission:

CeGaT Center for Human Genetics Tuebingen
Classification: Likely benign. Last evaluated: 2025-01-01. Review status: criteria provided, single submitter. Criteria: CeGaT Center For Human Genetics Tuebingen Variant Classification Criteria Version 2. Collection method: clinical testing. Allele origin: germline. Affected: yes. Observed: 1 variant allele.
Comment: CSPP1: BP4, BP7

NM_001382391.1(CSPP1):c.495G>A (p.Gln165=)

Gene: CSPP1 (centrosome and spindle pole associated protein 1; plus strand). Cytogenetic location: 8q13.1.
Variant type: single nucleotide variant.
Coding change: c.495G>A on transcript NM_001382391.1 (MANE Select); coding-DNA position 495, G replaced by A.
Protein change: p.Gln165=; no amino-acid change (glutamine 165 retained).
Molecular consequence: synonymous variant. On other transcripts: 5 prime UTR variant (1).
Genome position (GRCh38, 1-based): chr8:67,095,304, G>A. VCF-style: chr8-67095304-G-A. GRCh37 (hg19) VCF-style: chr8-68007539-G-A.
Other names: c.-361G>A (NM_001291339.2); c.414G>A, p.Gln138= (NM_001363131.2, NM_001363133.2); c.495G>A, p.Gln165= (NM_001363132.2); c.603G>A, p.Gln201= (NM_001364869.1); c.522G>A, p.Gln174= (NM_001364870.1, NM_024790.7).
Identifiers: ClinVar variation 3772237 (VCV003772237.13).